The following is an entry in ClinVar:

NM_004172.5(SLC1A3):c.310C>G (p.Leu104Val)

Gene: SLC1A3 (solute carrier family 1 member 3; plus strand). Cytogenetic location: 5p13.2.
Variant type: single nucleotide variant.
Coding change: c.310C>G on transcript NM_004172.5 (MANE Select); coding-DNA position 310, C replaced by G.
Protein change: p.Leu104Val; replaces leucine 104 with valine.
Molecular consequence: missense variant. On other transcripts: intron variant (1).
Genome position (GRCh38, 1-based): chr5:36,629,578, C>G. VCF-style: chr5-36629578-C-G. GRCh37 (hg19) VCF-style: chr5-36629680-C-G.
Other names: c.181+20974C>G (NM_001289939.2); c.310C>G, p.Leu104Val (NM_001166695.3, NM_001289940.2); short protein forms L104V.
Identifiers: ClinVar variation 2824485 (VCV002824485.3), dbSNP rs1208176336, ClinGen allele CA359473198.

ClinVar aggregate classification (germline): Uncertain significance (1 of 4 stars; one submission).

Submission:

Labcorp Genetics (formerly Invitae), Labcorp
Classification: Uncertain significance. Last evaluated: 2023-01-02. Review status: criteria provided, single submitter. Criteria: Invitae Variant Classification Sherloc (09022015). Collection method: clinical testing. Allele origin: germline.
Comment: In summary, the available evidence is currently insufficient to determine the role of this variant in disease. Therefore, it has been classified as a Variant of Uncertain Significance. Advanced modeling of protein sequence and biophysical properties (such as structural, functional, and spatial information, amino acid conservation, physicochemical variation, residue mobility, and thermodynamic stability) performed at Invitae indicates that this missense variant is not expected to disrupt SLC1A3 protein function. This sequence change replaces leucine, which is neutral and non-polar, with valine, which is neutral and non-polar, at codon 104 of the SLC1A3 protein (p.Leu104Val). This variant is present in population databases (no rsID available, gnomAD 0.006%). This variant has not been reported in the literature in individuals affected with SLC1A3-related conditions.